The following is an entry in ClinVar:

ClinVar aggregate classification (germline): Uncertain significance (1 of 4 stars; one submission).

Conditions:
STING-associated vasculopathy with onset in infancy. Also called: Sting-associated vasculopathy, infantile-onset. Identifiers: Orphanet 425120, MedGen C4014722, MONDO:0014405, OMIM 615934.

gnomAD v4.1: 1 of 1,614,176 alleles (0.000062%); highest among the groups gnomAD compares: Non-Finnish European, 0.000085%; no homozygotes.

Submission:

Labcorp Genetics (formerly Invitae), Labcorp
Classification: Uncertain significance for STING-associated vasculopathy with onset in infancy. Last evaluated: 2024-05-09. Review status: criteria provided, single submitter. Criteria: Invitae Variant Classification Sherloc (09022015). Collection method: clinical testing. Allele origin: germline.
Comment: This sequence change replaces phenylalanine, which is neutral and non-polar, with leucine, which is neutral and non-polar, at codon 221 of the TMEM173 protein (p.Phe221Leu). This variant is not present in population databases (gnomAD no frequency). This variant has not been reported in the literature in individuals affected with TMEM173-related conditions. Advanced modeling of protein sequence and biophysical properties (such as structural, functional, and spatial information, amino acid conservation, physicochemical variation, residue mobility, and thermodynamic stability) performed at Invitae indicates that this missense variant is expected to disrupt TMEM173 protein function with a positive predictive value of 80%. In summary, the available evidence is currently insufficient to determine the role of this variant in disease. Therefore, it has been classified as a Variant of Uncertain Significance.

NM_198282.4(STING1):c.661T>C (p.Phe221Leu)

Gene: STING1 (stimulator of interferon response cGAMP interactor 1; minus strand). Cytogenetic location: 5q31.2.
Variant type: single nucleotide variant.
Coding change: c.661T>C on transcript NM_198282.4 (MANE Select); coding-DNA position 661, T replaced by C.
Protein change: p.Phe221Leu; replaces phenylalanine 221 with leucine.
Molecular consequence: missense variant.
Genome position (GRCh38, 1-based): chr5:139,478,368, A>G on the plus strand (T>C on the coding strand, the complement: STING1 is on the minus strand). VCF-style: chr5-139478368-A-G. GRCh37 (hg19) VCF-style: chr5-138857953-A-G.
Other names: c.661T>C, p.Phe221Leu (NM_001301738.2); c.304T>C, p.Phe102Leu (NM_001367258.1); short protein forms F102L, F221L.
Identifiers: ClinVar variation 3651980 (VCV003651980.2).